The following is an entry in ClinVar:

ClinVar aggregate classification (germline): Likely benign (1 of 4 stars; one submission).

Submission:

CeGaT Center for Human Genetics Tuebingen
Classification: Likely benign. Last evaluated: 2025-12-01. Review status: criteria provided, single submitter. Criteria: CeGaT Center For Human Genetics Tuebingen Variant Classification Criteria Version 2. Collection method: clinical testing. Allele origin: germline. Affected: yes. Observed: 1 variant allele.
Comment: HECW2: PM2:Supporting, BP4, BP7

NM_001348768.2(HECW2):c.2001G>A (p.Arg667=)

Gene: HECW2 (HECT, C2 and WW domain containing E3 ubiquitin protein ligase 2; minus strand). Cytogenetic location: 2q32.3.
Variant type: single nucleotide variant.
Coding change: c.2001G>A on transcript NM_001348768.2 (MANE Select); coding-DNA position 2001, G replaced by A.
Protein change: p.Arg667=; no amino-acid change (arginine 667 retained).
Molecular consequence: synonymous variant.
Genome position (GRCh38, 1-based): chr2:196,318,889, C>T on the plus strand (G>A on the coding strand, the complement: HECW2 is on the minus strand). VCF-style: chr2-196318889-C-T. GRCh37 (hg19) VCF-style: chr2-197183613-C-T.
Other names: c.933G>A, p.Arg311= (NM_001304840.3); c.2001G>A, p.Arg667= (NM_020760.4).
Identifiers: ClinVar variation 4822891 (VCV004822891.4).
Genomic context (GRCh38, chr2:196,318,889, plus strand): 5'-CTCTGCTGCACAGGCTCCGTCTTCCTCCTCCTGAGAAGAAAAGGCTGGGGTTTCAGGAAA[C>T]CGTGCGCTCTCAAGAGAGGAGCACCGTGTGTCCACAGAGGACAGCTGCGTGGTCACACTC-3'
Protein context (NP_001335697.1, residues 657-677): DTRCSSLESA[Arg667=]FPETPAFSSQ